The following is an entry in ClinVar:

NM_152564.5(VPS13B):c.11832del (p.Ser3945fs)

Gene: VPS13B (vacuolar protein sorting 13 homolog B; plus strand). Cytogenetic location: 8q22.2.
Variant type: Deletion.
Coding change: c.11832del on transcript NM_152564.5 (MANE Select); coding-DNA position 11832, one base deleted (C; older notation c.11832delC).
Protein change: p.Ser3945fs; shifts the reading frame from serine 3945.
Molecular consequence: frameshift variant.
Genome position (GRCh38, 1-based): chr8:99,875,504, C deleted; the last of 5 consecutive C bases (chr8:99,875,500-99,875,504); deleting any one gives the same sequence. VCF-style (leftmost placement, unchanged base first): chr8-99875499-GC-G. GRCh37 (hg19) VCF-style: chr8-100887727-GC-G.
Other names: c.11907del, p.Ser3970fs (NM_017890.5); short protein forms S3945fs, S3970fs.
Identifiers: ClinVar variation 2160893 (VCV002160893.2), dbSNP rs180177374, ClinGen allele CA2580079158.

ClinVar aggregate classification (germline): Conflicting classifications of pathogenicity. Review status: criteria provided, conflicting classifications (1 of 4 stars). 2 submissions from 2 submitters: Pathogenic (1); Uncertain significance (1). Last evaluated 2022-11-22.

Conditions:
Cohen syndrome (COH1). Also called: PEPPER SYNDROME; Cutis verticis gyrata, retinitis pigmentosa, and sensorineural deafness. Identifiers: Orphanet 193, MedGen C0265223, MONDO:0008999, OMIM 216550.

Submissions (2):

Blueprint Genetics
Classification: Uncertain significance. Last evaluated: 2022-11-22. Review status: criteria provided, single submitter. Criteria: ACMG Guidelines, 2015. Collection method: clinical testing. Allele origin: germline.

Labcorp Genetics (formerly Invitae), Labcorp
Classification: Pathogenic for Cohen syndrome. Last evaluated: 2022-09-13. Review status: criteria provided, single submitter. Criteria: Invitae Variant Classification Sherloc (09022015). Collection method: clinical testing. Allele origin: germline.
Comment: This sequence change creates a premature translational stop signal (p.Ser3970Alafs*43) in the VPS13B gene. While this is not anticipated to result in nonsense mediated decay, it is expected to disrupt the last 53 amino acid(s) of the VPS13B protein. This variant is not present in population databases (gnomAD no frequency). This variant has not been reported in the literature in individuals affected with VPS13B-related conditions. This variant disrupts a region of the VPS13B protein in which other variant(s) (p.Lys3991Leufs*23) have been determined to be pathogenic (Invitae). This suggests that this is a clinically significant region of the protein, and that variants that disrupt it are likely to be disease-causing. For these reasons, this variant has been classified as Pathogenic.